The following is an entry in ClinVar:

ClinVar aggregate classification (germline): Uncertain significance (1 of 4 stars; one submission).

Conditions:
Charcot-Marie-Tooth disease type 2R. Also called: CHARCOT-MARIE-TOOTH DISEASE, AXONAL, AUTOSOMAL RECESSIVE, TYPE 2R; CHARCOT-MARIE-TOOTH NEUROPATHY, TYPE 2R; Charcot-Marie-Tooth disease, axonal, type 2R. Identifiers: Orphanet 397968, MedGen C3809655, MONDO:0014208, OMIM 615490.

Allele frequency attached by ClinVar (database versions not stated): gnomAD 0.00001 and 0.00003; TOPMed 0.00002.
gnomAD v4.1: 6 of 1,613,926 alleles (0.00037%); highest among the groups gnomAD compares: Non-Finnish European, 0.00051%; no homozygotes.

Submission:

Labcorp Genetics (formerly Invitae), Labcorp
Classification: Uncertain significance for Charcot-Marie-Tooth disease type 2R. Last evaluated: 2018-10-14. Review status: criteria provided, single submitter. Criteria: Invitae Variant Classification Sherloc (09022015). Collection method: clinical testing. Allele origin: germline.
Comment: This sequence change replaces glycine with cysteine at codon 355 of the TRIM2 protein (p.Gly355Cys). The glycine residue is highly conserved and there is a large physicochemical difference between glycine and cysteine. In summary, the available evidence is currently insufficient to determine the role of this variant in disease. Therefore, it has been classified as a Variant of Uncertain Significance. Algorithms developed to predict the effect of missense changes on protein structure and function are either unavailable or do not agree on the potential impact of this missense change (SIFT: "Deleterious"; PolyPhen-2: "Possibly Damaging"; Align-GVGD: "Class C0"). This variant has not been reported in the literature in individuals with TRIM2-related disease. This variant is present in population databases (rs760086023, ExAC 0.002%).

NM_015271.5(TRIM2):c.1144G>T (p.Gly382Cys)

Gene: TRIM2 (tripartite motif containing 2; plus strand). Cytogenetic location: 4q31.3.
Variant type: single nucleotide variant.
Coding change: c.1144G>T on transcript NM_015271.5 (MANE Select); coding-DNA position 1144, G replaced by T.
Protein change: p.Gly382Cys; replaces glycine 382 with cysteine.
Molecular consequence: missense variant.
Genome position (GRCh38, 1-based): chr4:153,295,670, G>T. VCF-style: chr4-153295670-G-T. GRCh37 (hg19) VCF-style: chr4-154216822-G-T.
Other names: c.1063G>T, p.Gly355Cys (NM_001130067.2, NM_001351056.2); c.1117G>T, p.Gly373Cys (NM_001351054.2); c.1114G>T, p.Gly372Cys (NM_001351055.2); c.688G>T, p.Gly230Cys (NM_001351057.2); short protein forms G355C, G372C, G373C, G230C, G382C.
Identifiers: ClinVar variation 654076 (VCV000654076.8), dbSNP rs760086023, ClinGen allele CA3108693.